The following is an entry in ClinVar:

ClinVar aggregate classification (germline): Uncertain significance (0 of 4 stars; one submission).

Conditions:
IRF6-related condition. Also called: IRF6-related disorder; IRF6-Related Disorders. Identifiers: MedGen CN378148, MONDO:1040010.

Submission:

PreventionGenetics, part of Exact Sciences
Classification: Uncertain significance for IRF6-related condition. Last evaluated: 2024-07-12. Review status: no assertion criteria provided. Collection method: clinical testing. Allele origin: germline.
Comment: The IRF6 c.267G>T variant is predicted to result in the amino acid substitution p.Lys89Asn. To our knowledge, this variant has not been reported in the literature or in a large population database, indicating this variant is rare. At this time, the clinical significance of this variant is uncertain due to the absence of conclusive functional and genetic evidence.

NM_006147.4(IRF6):c.267G>T (p.Lys89Asn)

Gene: IRF6 (interferon regulatory factor 6; minus strand). Cytogenetic location: 1q32.2.
Variant type: single nucleotide variant.
Coding change: c.267G>T on transcript NM_006147.4 (MANE Select); coding-DNA position 267, G replaced by T.
Protein change: p.Lys89Asn; replaces lysine 89 with asparagine.
Molecular consequence: missense variant. On other transcripts: 5 prime UTR variant (1).
Genome position (GRCh38, 1-based): chr1:209,796,460, C>A on the plus strand (G>T on the coding strand, the complement: IRF6 is on the minus strand). VCF-style: chr1-209796460-C-A. GRCh37 (hg19) VCF-style: chr1-209969805-C-A.
Other names: c.-19G>T (NM_001206696.2); short protein forms K89N.
Identifiers: ClinVar variation 3356823 (VCV003356823.1).